The following is an entry in ClinVar:

NM_004973.4(JARID2):c.1049C>A (p.Thr350Asn)

Gene: JARID2 (jumonji and AT-rich interaction domain containing 2; plus strand). Cytogenetic location: 6p22.3.
Variant type: single nucleotide variant.
Coding change: c.1049C>A on transcript NM_004973.4 (MANE Select); coding-DNA position 1049, C replaced by A.
Protein change: p.Thr350Asn; replaces threonine 350 with asparagine.
Molecular consequence: missense variant.
Genome position (GRCh38, 1-based): chr6:15,496,274, C>A. VCF-style: chr6-15496274-C-A. GRCh37 (hg19) VCF-style: chr6-15496505-C-A.
Other names: c.533C>A, p.Thr178Asn (NM_001267040.1); short protein forms T178N, T350N.
Identifiers: ClinVar variation 4976066 (VCV004976066.1).
Genomic context (GRCh38, chr6:15,496,274, plus strand): 5'-CTTCACCATCCAAAACTGTGAAGTACACTGCCACGGTGACGAAGGGGGCTGTCACATACA[C>A]CAAAGCCAAGAGAGAACTGGTCAAGGACACCAAACCCAATCACCACAAGCCCAGTTCCGC-3'
Protein context (NP_004964.2, residues 340-360): ATVTKGAVTY[Thr350Asn]KAKRELVKDT

ClinVar aggregate classification (germline): Uncertain significance (1 of 4 stars; one submission).

Submission:

GeneDx
Classification: Uncertain significance. Last evaluated: 2026-02-04. Review status: criteria provided, single submitter. Criteria: GeneDx Variant Classification Process June 2021. Collection method: clinical testing. Allele origin: germline.
Comment: Not observed at significant frequency in large population cohorts (gnomAD); In silico analysis suggests that this missense variant does not alter protein structure/function; Has not been previously published as pathogenic or benign to our knowledge